The following is an entry in ClinVar:

ClinVar aggregate classification (germline): Uncertain significance (1 of 4 stars; one submission).

Conditions:
Early-infantile DEE. Also called: Ohtahara syndrome; Early infantile epileptic encephalopathy with suppression bursts; Early infantile epileptic encephalopathy. Identifiers: Orphanet 1934, MedGen C0393706, MONDO:0800491.

Allele frequency attached by ClinVar (database versions not stated): TOPMed below 0.00001; gnomAD 0.00001; ExAC 0.00002; gnomAD exomes 0.00002; ESP Exome Variant Server 0.00008.
gnomAD v4.1: 35 of 1,613,960 alleles (0.0022%); highest among the groups gnomAD compares: Non-Finnish European, 0.0026%; no homozygotes.

Submission:

Labcorp Genetics (formerly Invitae), Labcorp
Classification: Uncertain significance for Early-infantile DEE. Last evaluated: 2025-07-20. Review status: criteria provided, single submitter. Criteria: Invitae Variant Classification Sherloc (09022015). Collection method: clinical testing. Allele origin: germline.
Comment: This sequence change replaces glycine, which is neutral and non-polar, with glutamic acid, which is acidic and polar, at codon 390 of the ARHGEF15 protein (p.Gly390Glu). This variant is present in population databases (rs370992708, gnomAD 0.004%). This variant has not been reported in the literature in individuals affected with ARHGEF15-related conditions. ClinVar contains an entry for this variant (Variation ID: 1046842). An algorithm developed to predict the effect of missense changes on protein structure and function outputs the following: PolyPhen-2: "Benign". The glutamic acid amino acid residue is found in multiple mammalian species, which suggests that this missense change does not adversely affect protein function. In summary, the available evidence is currently insufficient to determine the role of this variant in disease. Therefore, it has been classified as a Variant of Uncertain Significance.

NM_173728.4(ARHGEF15):c.1169G>A (p.Gly390Glu)

Gene: ARHGEF15 (Rho guanine nucleotide exchange factor 15; plus strand). Cytogenetic location: 17p13.1.
Variant type: single nucleotide variant.
Coding change: c.1169G>A on transcript NM_173728.4 (MANE Select); coding-DNA position 1169, G replaced by A.
Protein change: p.Gly390Glu; replaces glycine 390 with glutamic acid.
Molecular consequence: missense variant.
Genome position (GRCh38, 1-based): chr17:8,315,186, G>A. VCF-style: chr17-8315186-G-A. GRCh37 (hg19) VCF-style: chr17-8218504-G-A.
Other names: c.1169G>A, p.Gly390Glu (NM_025014.2); short protein forms G390E.
Identifiers: ClinVar variation 1046842 (VCV001046842.9), dbSNP rs370992708, ClinGen allele CA8375101.